The following is an entry in ClinVar:

ClinVar aggregate classification (germline): Uncertain significance (1 of 4 stars; one submission).

Submission:

Greenwood Genetic Center Diagnostic Laboratories, Greenwood Genetic Center
Classification: Uncertain significance. Last evaluated: 2024-12-11. Review status: criteria provided, single submitter. Criteria: ACMG Guidelines, 2015. Collection method: clinical testing. Allele origin: germline. Affected: yes.
Comment: PM2

NM_012156.2(EPB41L1):c.735C>G (p.Asn245Lys)

Gene: EPB41L1 (erythrocyte membrane protein band 4.1 like 1; plus strand). Cytogenetic location: 20q11.23.
Variant type: single nucleotide variant.
Coding change: c.735C>G on transcript NM_012156.2 (MANE Select); coding-DNA position 735, C replaced by G.
Protein change: p.Asn245Lys; replaces asparagine 245 with lysine.
Molecular consequence: missense variant.
Genome position (GRCh38, 1-based): chr20:36,185,285, C>G. VCF-style: chr20-36185285-C-G. GRCh37 (hg19) VCF-style: chr20-34773207-C-G.
Other names: c.735C>G, p.Asn245Lys (NM_001258329.1, NM_001424382.1, NM_001424383.1 and 13 more transcripts); c.642C>G, p.Asn214Lys (NM_001258330.1); c.549C>G, p.Asn183Lys (NM_001258331.2, NM_001424373.1, NM_001424374.1 and 19 more transcripts); short protein forms N183K, N214K, N245K.
Identifiers: ClinVar variation 3765814 (VCV003765814.1).